The following is an entry in ClinVar:

ClinVar aggregate classification (germline): Uncertain significance (1 of 4 stars; one submission).

Conditions:
Hereditary cancer-predisposing syndrome. Also called: Neoplastic Syndromes, Hereditary; Tumor predisposition; Hereditary Cancer Syndrome; Hereditary neoplastic syndrome. Identifiers: Orphanet 140162, MedGen C0027672, MeSH D009386, MONDO:0015356.

Submission:

Ambry Genetics
Classification: Uncertain significance for Hereditary cancer-predisposing syndrome. Last evaluated: 2018-08-21. Review status: criteria provided, single submitter. Criteria: Ambry Variant Classification Scheme 2023. Collection method: clinical testing. Allele origin: germline.
Comment: The p.A683P variant (also known as c.2047G>C), located in coding exon 4 of the MSH6 gene, results from a G to C substitution at nucleotide position 2047. The alanine at codon 683 is replaced by proline, an amino acid with highly similar properties. This amino acid position is highly conserved in available vertebrate species. In addition, this alteration is predicted to be deleterious by in silico analysis. Since supporting evidence is limited at this time, the clinical significance of this alteration remains unclear.

NM_000179.3(MSH6):c.2047G>C (p.Ala683Pro)

Gene: MSH6 (mutS homolog 6; plus strand). Cytogenetic location: 2p16.3.
Variant type: single nucleotide variant.
Coding change: c.2047G>C on transcript NM_000179.3 (MANE Select); coding-DNA position 2047, G replaced by C.
Protein change: p.Ala683Pro; replaces alanine 683 with proline.
Molecular consequence: missense variant.
Genome position (GRCh38, 1-based): chr2:47,800,030, G>C. VCF-style: chr2-47800030-G-C. GRCh37 (hg19) VCF-style: chr2-48027169-G-C.
Other names: c.1657G>C, p.Ala553Pro (NM_001281492.2); c.1141G>C, p.Ala381Pro (NM_001281493.2, NM_001281494.2); short protein forms A381P, A553P, A683P.
Identifiers: ClinVar variation 820582 (VCV000820582.4), dbSNP rs1572725487, ClinGen allele CA346750754.